The following is an entry in ClinVar:

NM_198241.3(EIF4G1):c.2856+8T>G

Gene: EIF4G1 (eukaryotic translation initiation factor 4 gamma 1; plus strand). Cytogenetic location: 3q27.1.
Variant type: single nucleotide variant.
Coding change: c.2856+8T>G on transcript NM_198241.3 (MANE Select); 8 bases into the intron after coding-DNA position 2856, T replaced by G.
Molecular consequence: intron variant.
Genome position (GRCh38, 1-based): chr3:184,325,122, T>G. VCF-style: chr3-184325122-T-G. GRCh37 (hg19) VCF-style: chr3-184042910-T-G.
Other names: c.2736+8T>G (NM_001291157.2); c.2877+8T>G (NM_001194946.2, NM_001194947.2); c.2595+8T>G (NM_198244.3); c.2364+8T>G (NM_198242.3); c.2859+8T>G (NM_182917.4); c.2271+8T>G (NM_004953.5).
Identifiers: ClinVar variation 3352841 (VCV003352841.1).
Genomic context (GRCh38, chr3:184,325,122, plus strand): 5'-TTTGTCGTCTGCTCACCACCATTGGCAAAGACCTGGACTTTGAAAAAGCCAAGGTAGAGG[T>G]CCTTGCATCTGGAGGGGGATGGGCTGAAGCATATGTGGGGCTCACTGAGCCCACAATGAT-3'

ClinVar aggregate classification (germline): Likely benign (0 of 4 stars; one submission).

Conditions:
EIF4G1-related disorder. Also called: EIF4G1-related condition.

Submission:

PreventionGenetics, part of Exact Sciences
Classification: Likely benign for EIF4G1-related condition. Last evaluated: 2019-03-26. Review status: no assertion criteria provided. Collection method: clinical testing. Allele origin: germline.
Comment: This variant is classified as likely benign based on ACMG/AMP sequence variant interpretation guidelines (Richards et al. 2015 PMID: 25741868, with internal and published modifications).